The following is an entry in ClinVar:

NM_001267550.2(TTN):c.8467G>T (p.Val2823Phe)

Gene: TTN (titin; minus strand). Cytogenetic location: 2q31.2.
Variant type: single nucleotide variant.
Coding change: c.8467G>T on transcript NM_001267550.2 (MANE Select); coding-DNA position 8467, G replaced by T.
Protein change: p.Val2823Phe; replaces valine 2823 with phenylalanine.
Molecular consequence: missense variant.
Genome position (GRCh38, 1-based): chr2:178,770,234, C>A on the plus strand (G>T on the coding strand, the complement: TTN is on the minus strand). VCF-style: chr2-178770234-C-A. GRCh37 (hg19) VCF-style: chr2-179634961-C-A.
Other names: p.V2823F:GTT>TTT; c.8467G>T, p.Val2823Phe (NM_001256850.1, NM_133378.4, NM_133379.5); c.8329G>T, p.Val2777Phe (NM_003319.4, NM_133432.3, NM_133437.4); short protein forms V2823F, V2777F.
Identifiers: ClinVar variation 47523 (VCV000047523.55), dbSNP rs33917087, ClinGen allele CA284046.

ClinVar aggregate classification (germline): Benign/Likely benign. Review status: criteria provided, multiple submitters, no conflicts (2 of 4 stars). 30 submissions from 23 submitters: Benign (15); Likely benign (8). 7 of the submissions do not count toward it. Last evaluated 2026-03-27.

Conditions:
Cardiovascular phenotype. Identifiers: MedGen CN230736.
Autosomal recessive limb-girdle muscular dystrophy type 2J (LGMDR10). Also called: Limb-girdle muscular dystrophy, type 2J; MUSCULAR DYSTROPHY, LIMB-GIRDLE, AUTOSOMAL RECESSIVE 10. Identifiers: Orphanet 140922, MedGen C1837342, MONDO:0012127, OMIM 608807.
Dilated cardiomyopathy 1G (CMD1G). Identifiers: Orphanet 154, MedGen C1858763, MONDO:0011400, OMIM 604145.
Early-onset myopathy with fatal cardiomyopathy (CMYO5). Also called: Salih Myopathy; CONGENITAL MYOPATHY 5 WITH CARDIOMYOPATHY. Identifiers: Orphanet 289377, MedGen C2673677, MONDO:0012714, OMIM 611705. Disease mechanism: loss of function.
Myopathy, myofibrillar, 9, with early respiratory failure (MFM9). Also called: Hereditary myopathy with early respiratory failure; EDSTROM MYOPATHY; MYOPATHY, PROXIMAL, WITH EARLY RESPIRATORY MUSCLE INVOLVEMENT; Myopathy, distal, with early respiratory failure, autosomal dominant. Identifiers: Orphanet 178464, Orphanet 34521, MedGen C1863599, MONDO:0011362, OMIM 603689.
Tibial muscular dystrophy (TMD). Also called: UDD MYOPATHY; Udd Distal Myopathy – Tibial Muscular Dystrophy; Tibial muscular dystrophy, tardive. Identifiers: Orphanet 609, MedGen C1838244, MONDO:0010870, OMIM 600334.

Allele frequency attached by ClinVar (database versions not stated): 1000 Genomes Project 30x 0.00718; 1000 Genomes Project 0.00759; gnomAD exomes 0.01437 and 0.01905; ExAC 0.01443; gnomAD 0.01497 and 0.01611; TOPMed 0.01524; ESP Exome Variant Server 0.01545.
gnomAD v4.1: 29,968 of 1,614,122 alleles (1.9%); highest among the groups gnomAD compares: Non-Finnish European, 2.2%; 346 homozygotes.

Submissions 1 to 19 of 31:

Molecular Diagnostic Laboratory for Inherited Cardiovascular Disease, Montreal Heart Institute
Classification: Likely benign. Last evaluated: 2026-03-27. Review status: criteria provided, single submitter. Criteria: ACMG Guidelines, 2015. Collection method: clinical testing. Allele origin: germline. Affected: no.
Comment: BS1;BP1

Labcorp Genetics (formerly Invitae), Labcorp
Classification: Benign for Dilated cardiomyopathy 1G; Autosomal recessive limb-girdle muscular dystrophy type 2J. Last evaluated: 2026-02-04. Review status: criteria provided, single submitter. Criteria: Invitae Variant Classification Sherloc (09022015). Collection method: clinical testing. Allele origin: germline.

ARUP Laboratories, Molecular Genetics and Genomics, ARUP Laboratories
Classification: Benign. Last evaluated: 2025-05-05. Review status: criteria provided, single submitter. Criteria: ARUP Molecular Germline Variant Investigation Process 2024. Collection method: clinical testing. Allele origin: germline.

Center for Genomic Medicine, Rigshospitalet, Copenhagen University Hospital
Classification: Likely benign. Last evaluated: 2025-03-04. Review status: criteria provided, single submitter. Criteria: ACMG Guidelines, 2015. Collection method: clinical testing. Allele origin: germline.

Blueprint Genetics
Classification: Likely benign. Last evaluated: 2024-11-26. Review status: criteria provided, single submitter. Criteria: ACMG Guidelines, 2015. Collection method: clinical testing. Allele origin: germline.

Genome-Nilou Lab
Classification: Benign for Autosomal recessive limb-girdle muscular dystrophy type 2J. Last evaluated: 2021-09-10. Review status: criteria provided, single submitter. Criteria: ACMG Guidelines, 2015. Collection method: clinical testing. Allele origin: germline. Affected: no.

Genome-Nilou Lab
Classification: Benign for Myopathy, myofibrillar, 9, with early respiratory failure. Last evaluated: 2021-09-10. Review status: criteria provided, single submitter. Criteria: ACMG Guidelines, 2015. Collection method: clinical testing. Allele origin: germline. Affected: no.

Genome-Nilou Lab
Classification: Benign for Early-onset myopathy with fatal cardiomyopathy. Last evaluated: 2021-09-10. Review status: criteria provided, single submitter. Criteria: ACMG Guidelines, 2015. Collection method: clinical testing. Allele origin: germline. Affected: no.

Genome-Nilou Lab
Classification: Benign for Tibial muscular dystrophy. Last evaluated: 2021-09-10. Review status: criteria provided, single submitter. Criteria: ACMG Guidelines, 2015. Collection method: clinical testing. Allele origin: germline. Affected: no.

Women's Health and Genetics/Laboratory Corporation of America, LabCorp
Classification: Likely benign. Last evaluated: 2019-11-06. Review status: criteria provided, single submitter. Criteria: LabCorp Variant Classification Summary - May 2015. Collection method: clinical testing. Allele origin: germline.
Comment: Variant summary: TTN c.8467G>T (p.Val2823Phe) results in a non-conservative amino acid change located in the I-band of the encoded protein sequence. Four of five in-silico tools predict a damaging effect of the variant on protein function. The variant allele was found at a frequency of 0.014 in 251122 control chromosomes, predominantly at a frequency of 0.022 within the Non-Finnish European subpopulation in the gnomAD database, including 31 homozygotes. The observed variant frequency within Non-Finnish European control individuals in the gnomAD database is approximately 35-folds over the estimated maximal expected allele frequency for a pathogenic variant in TTN causing Cardiomyopathy phenotype (0.00063), strongly suggesting that the variant is a benign polymorphism found primarily in populations of Non-Finnish European origin. A ClinVar submission (evaluation after 2014) cites the variant as benign. Based on the evidence outlined above, the variant was classified as likely benign.

Athena Diagnostics
Classification: Benign. Last evaluated: 2019-02-26. Review status: criteria provided, single submitter. Criteria: Athena Diagnostics Criteria. Collection method: clinical testing. Allele origin: germline.

Illumina Laboratory Services, Illumina
Classification: Likely benign for Dilated cardiomyopathy 1G. Last evaluated: 2018-01-13. Review status: criteria provided, single submitter. Criteria: ICSL Variant Classification Criteria 13 December 2019. Collection method: clinical testing. Allele origin: germline.
Comment: This variant was observed in the ICSL laboratory as part of a predisposition screen in an ostensibly healthy population. It had not been previously curated by ICSL or reported in the Human Gene Mutation Database (HGMD: prior to June 1st, 2018), and was therefore a candidate for classification through an automated scoring system. Utilizing variant allele frequency, disease prevalence and penetrance estimates, and inheritance mode, an automated score was calculated to assess if this variant is too frequent to cause the disease. Based on the score and internal cut-off values, a variant classified as likely benign is not then subjected to further curation. The score for this variant resulted in a classification of likely benign for this disease.

Illumina Laboratory Services, Illumina
Classification: Likely benign for Autosomal recessive limb-girdle muscular dystrophy type 2J. Last evaluated: 2018-01-13. Review status: criteria provided, single submitter. Criteria: ICSL Variant Classification Criteria 13 December 2019. Collection method: clinical testing. Allele origin: germline.
Comment: the same text as in the submission from Illumina Laboratory Services, Illumina above.

Illumina Laboratory Services, Illumina
Classification: Likely benign for Early-onset myopathy with fatal cardiomyopathy. Last evaluated: 2018-01-13. Review status: criteria provided, single submitter. Criteria: ICSL Variant Classification Criteria 13 December 2019. Collection method: clinical testing. Allele origin: germline.
Comment: the same text as in the submission from Illumina Laboratory Services, Illumina above.

Illumina Laboratory Services, Illumina
Classification: Benign for Tibial muscular dystrophy. Last evaluated: 2018-01-13. Review status: criteria provided, single submitter. Criteria: ICSL Variant Classification Criteria 13 December 2019. Collection method: clinical testing. Allele origin: germline.
Comment: This variant was observed in the ICSL laboratory as part of a predisposition screen in an ostensibly healthy population. It had not been previously curated by ICSL or reported in the Human Gene Mutation Database (HGMD: prior to June 1st, 2018), and was therefore a candidate for classification through an automated scoring system. Utilizing variant allele frequency, disease prevalence and penetrance estimates, and inheritance mode, an automated score was calculated to assess if this variant is too frequent to cause the disease. Based on the score and internal cut-off values, a variant classified as benign is not then subjected to further curation. The score for this variant resulted in a classification of benign for this disease.

Illumina Laboratory Services, Illumina
Classification: Benign for Myopathy, myofibrillar, 9, with early respiratory failure. Last evaluated: 2018-01-13. Review status: criteria provided, single submitter. Criteria: ICSL Variant Classification Criteria 13 December 2019. Collection method: clinical testing. Allele origin: germline.
Comment: the same text as in the submission from Illumina Laboratory Services, Illumina above.

Mayo Clinic Laboratories, Mayo Clinic
Classification: Benign. Last evaluated: 2017-12-06. Review status: criteria provided, single submitter. Criteria: ACMG Guidelines, 2015. Collection method: clinical testing. Allele origin: germline. Observed: 65 variant alleles.

Biesecker Lab/Clinical Genomics Section, National Institutes of Health
Classification: Benign. Last evaluated: 2013-06-24. Review status: criteria provided, single submitter. Criteria: Ng et al. (Circ Cardiovasc Genet. 2013). Collection method: research. Allele origin: unknown. Observed: 38 variant alleles. Study: ClinSeq.
Comment: The study set was not selected for affection status in relation to any cancer. Pathogenicity categories were based on literature curation. See Pubmed ID:23861362 for details.

Medical sequencing

GeneDx
Classification: Benign. Last evaluated: 2013-03-11. Review status: criteria provided, single submitter. Criteria: GeneDx Variant Classification (06012015). Collection method: clinical testing. Allele origin: germline. Affected: yes.
Comment: This variant is considered likely benign or benign based on one or more of the following criteria: it is a conservative change, it occurs at a poorly conserved position in the protein, it is predicted to be benign by multiple in silico algorithms, and/or has population frequency not consistent with disease.